The following is an entry in ClinVar:

ClinVar aggregate classification (germline): Uncertain significance (1 of 4 stars; one submission).

Submission:

Labcorp Genetics (formerly Invitae), Labcorp
Classification: Uncertain significance. Last evaluated: 2025-09-25. Review status: criteria provided, single submitter. Criteria: Invitae Variant Classification Sherloc (09022015). Collection method: clinical testing. Allele origin: germline.
Comment: This sequence change replaces serine, which is neutral and polar, with tyrosine, which is neutral and polar, at codon 98 of the NAF1 protein (p.Ser98Tyr). This variant is not present in population databases (gnomAD no frequency). This variant has not been reported in the literature in individuals affected with NAF1-related conditions. An algorithm developed to predict the effect of missense changes on protein structure and function (PolyPhen-2) suggests that this variant is likely to be tolerated. In summary, the available evidence is currently insufficient to determine the role of this variant in disease. Therefore, it has been classified as a Variant of Uncertain Significance.

NM_138386.3(NAF1):c.293C>A (p.Ser98Tyr)

Gene: NAF1 (nuclear assembly factor 1 ribonucleoprotein; minus strand). Cytogenetic location: 4q32.2.
Variant type: single nucleotide variant.
Coding change: c.293C>A on transcript NM_138386.3 (MANE Select); coding-DNA position 293, C replaced by A.
Protein change: p.Ser98Tyr; replaces serine 98 with tyrosine.
Molecular consequence: missense variant.
Genome position (GRCh38, 1-based): chr4:163,166,435, G>T on the plus strand (C>A on the coding strand, the complement: NAF1 is on the minus strand). VCF-style: chr4-163166435-G-T. GRCh37 (hg19) VCF-style: chr4-164087587-G-T.
Other names: c.293C>A, p.Ser98Tyr (NM_001128931.2); short protein forms S98Y.
Identifiers: ClinVar variation 4762917 (VCV004762917.1).